The following is an entry in ClinVar:

ClinVar aggregate classification (germline): Conflicting classifications of pathogenicity. Review status: criteria provided, conflicting classifications (1 of 4 stars). 11 submissions from 11 submitters: Likely pathogenic (3); Uncertain significance (8). Last evaluated 2026-02-02.

Conditions:
Biliary tract abnormality. Identifiers: MedGen C0549613, MONDO:0004868, HP:0001080.
Inborn genetic diseases. Identifiers: MedGen C0950123, MeSH D030342.
PKD1-related disorder. Also called: PKD1-related condition.
Cystic renal disease.
Polycystic kidney disease, adult type (PKD1). Also called: Polycystic Kidney Disease 1, Autosomal Dominant; Polycystic kidney disease 1; Polycystic kidney disease 1, severe; POLYCYSTIC KIDNEY DISEASE, ADULT, TYPE I; Polycystic Kidney, Autosomal Dominant; POLYCYSTIC KIDNEY DISEASE 1 WITH OR WITHOUT POLYCYSTIC LIVER DISEASE. Identifiers: MedGen C3149841, MONDO:0008263, OMIM 173900.

Allele frequency attached by ClinVar (database versions not stated): gnomAD exomes below 0.00001; TOPMed 0.00001.
gnomAD v4.1: 6 of 1,550,538 alleles (0.00039%); highest among the groups gnomAD compares: South Asian, 0.0012%; no homozygotes.

Submissions (11):

Genetics Laboratory, Great Ormond Street Hospital NHS Foundation Trust, North Thames Genomic Laboratory Hub
Classification: Uncertain significance for Cystic renal disease. Last evaluated: 2026-02-02. Review status: criteria provided, single submitter. Criteria: ACGS Best Practice Guidelines for Variant Classification in Rare Disease 2024 v1.2. Collection method: clinical testing. Allele origin: germline. Affected: yes.
Comment: PS4_moderate, PM2_moderate, PP4_supporting

Women's Health and Genetics/Laboratory Corporation of America, LabCorp
Classification: Uncertain significance. Last evaluated: 2026-01-18. Review status: criteria provided, single submitter. Criteria: LabCorp Variant Classification Summary - May 2015. Collection method: clinical testing. Allele origin: germline.
Comment: Variant summary: PKD1 c.9157G>A (p.Ala3053Thr) results in a non-conservative amino acid change in the encoded protein sequence. Algorithms developed to predict the effect of missense changes on protein structure and function all suggest that this variant is likely to be disruptive. The frequency data for this variant in gnomAD is considered unreliable, as metrics indicate poor data quality at this position. c.9157G>A has been observed in individuals affected with Polycystic Kidney Disease 1 (e.g. Chang_2013, Gyokova_2025). These data indicate that the variant may be associated with disease. To our knowledge, no experimental evidence demonstrating an impact on protein function has been reported. The following publications have been ascertained in the context of this evaluation (PMID: 35325889, 27499327, 23985799, 33639313, 31056860, 40710847). ClinVar contains an entry for this variant (Variation ID: 811490). Based on the evidence outlined above, the variant was classified as VUS-possibly pathogenic.

PreventionGenetics, part of Exact Sciences
Classification: Uncertain significance for PKD1-related condition. Last evaluated: 2025-12-29. Review status: criteria provided, single submitter. Criteria: ACMG Guidelines, 2015. Collection method: clinical testing. Allele origin: germline.
Comment: The PKD1 c.9157G>A variant is predicted to result in the amino acid substitution p.Ala3053Thr. This variant has been reported in multiple individuals with polycystic kidney disease (PKD) (Chang et al. 2013. PubMed ID: 23985799; Table S2, Nielsen et al. 2021. PubMed ID: 33639313; Carrera et al. 2016. PubMed ID: 27499327; Wang et al. 2019. PubMed ID: 31056860; Gyokova et al. 2025 PubMed ID: 40710847). However, some of the reported patients also harbored an additional variant in PKD1, including a nonsense variant reported in trans to this variant (Table S2, Nielsen et al. 2021. PubMed ID: 33639313). This variant has not been reported in a large population database (gnomAD), indicating it is rare. There are conflicting classifications for this variant in ClinVar ranging from uncertain to likely pathogenic (Variation ID: 811490). A different missense change impacting the same amino acid, defined as c.9158C>A (p.Ala3053Asp), has been reported in a cohort study of PKD patients (Table S1, Yu et al. 2022. PubMed ID: 35778421). Although we suspect that the c.9157G>A (p.Ala3053Thr) variant may be pathogenic, at this time, the clinical significance of this variant is uncertain due to the absence of conclusive functional and genetic evidence.

Blueprint Genetics
Classification: Likely pathogenic for PKD1-related disorders. Last evaluated: 2024-04-06. Review status: criteria provided, single submitter. Criteria: ACMG Guidelines, 2015. Collection method: clinical testing. Allele origin: germline. Affected: yes. Observed: 5 variant alleles.

Mayo Clinic Laboratories, Mayo Clinic
Classification: Uncertain significance. Last evaluated: 2024-02-19. Review status: criteria provided, single submitter. Criteria: ACMG Guidelines, 2015. Collection method: clinical testing. Allele origin: germline. Observed: 2 variant alleles.
Comment: PM2, PS4_moderate

GeneDx
Classification: Uncertain significance. Last evaluated: 2024-01-24. Review status: criteria provided, single submitter. Criteria: GeneDx Variant Classification Process June 2021. Collection method: clinical testing. Allele origin: germline. Affected: yes.
Comment: Not observed at significant frequency in large population cohorts (gnomAD); In silico analysis supports that this missense variant has a deleterious effect on protein structure/function; This variant is associated with the following publications: (PMID: 23985799, 27499327, 33639313, 31056860)

Ambry Genetics
Classification: Uncertain significance for Inborn genetic diseases. Last evaluated: 2021-11-22. Review status: criteria provided, single submitter. Criteria: Ambry Variant Classification Scheme 2023. Collection method: clinical testing. Allele origin: germline.

Fulgent Genetics
Classification: Likely pathogenic for Polycystic kidney disease, adult type. Last evaluated: 2021-06-30. Review status: criteria provided, single submitter. Criteria: ACMG Guidelines, 2015. Collection method: clinical testing. Allele origin: unknown.
Comment: This variant has been detected in individual(s) who were sent for testing of Renasight - kidney gene panel.

Department of Pathology and Laboratory Medicine, Sinai Health System
Classification: Uncertain significance for Polycystic kidney disease, adult type. Last evaluated: 2020-10-15. Review status: criteria provided, single submitter. Criteria: ACMG Guidelines, 2015. Collection method: clinical testing. Allele origin: germline. Affected: yes.

Cambridge Genomics Laboratory, East Genomic Laboratory Hub, NHS Genomic Medicine Service
Classification: Uncertain significance for Biliary tract abnormality. Last evaluated: 2020-04-28. Review status: criteria provided, single submitter. Criteria: ACGS Best Practice Guidelines for Variant Classification in Rare Disease 2020. Collection method: clinical testing. Allele origin: germline. Affected: yes. Observed: 1 variant allele.

ARUP Laboratories, Molecular Genetics and Genomics, ARUP Laboratories
Classification: Likely pathogenic for Polycystic kidney disease, adult type. Last evaluated: 2019-06-27. Review status: criteria provided, single submitter. Criteria: ARUP Molecular Germline Variant Investigation Process. Collection method: clinical testing. Allele origin: germline.
Comment: The PKD1 c.9157G>A; p.Ala3053Thr variant (rs200360336) is reported in the literature in several individuals affected with autosomal dominant polycystic kidney disease (Carrera 2016, Chang 2013, Wang 2019). This variant is absent from general population databases (Exome Variant Server, Genome Aggregation Database), indicating it is not a common polymorphism. The alanine at codon 3053 is highly conserved, it occurs in the functionally important GPCR proteolytic cleavage site (Ponting 1999, Qian 2002), and computational analyses (SIFT, PolyPhen-2) predict that this variant is deleterious. Based on available information, this variant is considered to be likely pathogenic. References: Carrera P et al. Deciphering Variability of PKD1 and PKD2 in an Italian Cohort of 643 Patients with Autosomal Dominant Polycystic Kidney Disease (ADPKD). Sci Rep. 2016 Aug 8;6:30850. Chang MY et al. Novel PKD1 and PKD2 mutations in Taiwanese patients with autosomal dominant polycystic kidney disease. J Hum Genet. 2013 Nov;58(11):720-7. Ponting CP et al. A latrophilin/CL-1-like GPS domain in polycystin-1. Curr Biol. 1999 Aug 26;9(16):R585-8. Qian F et al. Cleavage of polycystin-1 requires the receptor for egg jelly domain and is disrupted by human autosomal-dominant polycystic kidney disease 1-associated mutations. Proc Natl Acad Sci U S A. 2002 Dec 24;99(26):16981-6. Wang T et al. Identifying gene mutations of Chinese patients with polycystic kidney disease through targeted next-generation sequencing technology. Mol Genet Genomic Med. 2019 Jun;7(6):e720.

Literature cited by the submitters: PubMed 27499327 (cited by 4 submitters); PubMed 31056860 (cited by 3 submitters); PubMed 33639313 (cited by Women's Health and Genetics/Laboratory Corporation of America, LabCorp and Mayo Clinic Laboratories, Mayo Clinic); PubMed 23985799 (cited by 3 submitters); PubMed 35325889 (cited by Women's Health and Genetics/Laboratory Corporation of America, LabCorp); PubMed 40710847 (cited by Women's Health and Genetics/Laboratory Corporation of America, LabCorp).

NM_001009944.3(PKD1):c.9157G>A (p.Ala3053Thr)

Gene: PKD1 (polycystin 1, transient receptor potential channel interacting; minus strand). Cytogenetic location: 16p13.3.
Variant type: single nucleotide variant.
Coding change: c.9157G>A on transcript NM_001009944.3 (MANE Select); coding-DNA position 9157, G replaced by A.
Protein change: p.Ala3053Thr; replaces alanine 3053 with threonine.
Molecular consequence: missense variant.
Genome position (GRCh38, 1-based): chr16:2,102,425, C>T on the plus strand (G>A on the coding strand, the complement: PKD1 is on the minus strand). VCF-style: chr16-2102425-C-T. GRCh37 (hg19) VCF-style: chr16-2152426-C-T.
Other names: p.Ala3053Thr; c.9157G>A, p.Ala3053Thr (NM_000296.4); c.9157G>A (NM_000296.3); short protein forms A3053T.
Identifiers: ClinVar variation 811490 (VCV000811490.23), dbSNP rs200360336, ClinGen allele CA394358724.